The following is an entry in ClinVar:

NM_024301.5(FKRP):c.488C>G (p.Ala163Gly)

Gene: FKRP (fukutin related protein; plus strand). Cytogenetic location: 19q13.32.
Variant type: single nucleotide variant.
Coding change: c.488C>G on transcript NM_024301.5 (MANE Select); coding-DNA position 488, C replaced by G.
Protein change: p.Ala163Gly; replaces alanine 163 with glycine.
Molecular consequence: missense variant.
Genome position (GRCh38, 1-based): chr19:46,755,938, C>G. VCF-style: chr19-46755938-C-G. GRCh37 (hg19) VCF-style: chr19-47259195-C-G.
Other names: c.488C>G (NM_024301.4); c.488C>G, p.Ala163Gly (NM_001039885.3); short protein forms A163G.
Identifiers: ClinVar variation 1385380 (VCV001385380.8), dbSNP rs2122616447, ClinGen allele CA406495424.
Genomic context (GRCh38, chr19:46,755,938, plus strand): 5'-GCATGGTGGAGGCGCTCCGCGCAGGAAGCGCACGTCTGGTGGCCGCCCCGGTTGCCACGG[C>G]CAACCCTGCCAGGTGCCTGGCCCTGAACGTCAGCCTGCGAGAGTGGACCGCCCGCTATGG-3'
Protein context (NP_077277.1, residues 153-173): ARLVAAPVAT[Ala163Gly]NPARCLALNV

ClinVar aggregate classification (germline): Uncertain significance. Review status: criteria provided, multiple submitters, no conflicts (2 of 4 stars). 2 submissions from 2 submitters: Uncertain significance (2). Last evaluated 2021-10-08.

Conditions:
Walker-Warburg congenital muscular dystrophy. Also called: Muscular dystrophy-dystroglycanopathy, type A; Walker-Warburg syndrome. Identifiers: Orphanet 899, MedGen C0265221, MONDO:0000171.

Submissions (2):

Labcorp Genetics (formerly Invitae), Labcorp
Classification: Uncertain significance for Walker-Warburg congenital muscular dystrophy. Last evaluated: 2021-10-08. Review status: criteria provided, single submitter. Criteria: Invitae Variant Classification Sherloc (09022015). Collection method: clinical testing. Allele origin: germline.
Comment: In summary, the available evidence is currently insufficient to determine the role of this variant in disease. Therefore, it has been classified as a Variant of Uncertain Significance. Algorithms developed to predict the effect of missense changes on protein structure and function output the following: SIFT: "Tolerated"; PolyPhen-2: "Benign"; Align-GVGD: "Class C0". The glycine amino acid residue is found in multiple mammalian species, which suggests that this missense change does not adversely affect protein function. This variant has not been reported in the literature in individuals affected with FKRP-related conditions. The frequency data for this variant in the population databases is considered unreliable, as metrics indicate insufficient coverage at this position in the ExAC database. This sequence change replaces alanine with glycine at codon 163 of the FKRP protein (p.Ala163Gly). The alanine residue is moderately conserved and there is a small physicochemical difference between alanine and glycine.

Revvity Omics, Revvity
Classification: Uncertain significance. Last evaluated: 2020-09-02. Review status: criteria provided, single submitter. Criteria: ACMG Guidelines, 2015. Collection method: clinical testing. Allele origin: germline.